The following is an entry in ClinVar:

NM_020975.6(RET):c.1733T>C (p.Ile578Thr)

Gene: RET (ret proto-oncogene; plus strand). Cytogenetic location: 10q11.21.
Variant type: single nucleotide variant.
Coding change: c.1733T>C on transcript NM_020975.6 (MANE Select); coding-DNA position 1733, T replaced by C.
Protein change: p.Ile578Thr; replaces isoleucine 578 with threonine.
Molecular consequence: missense variant.
Genome position (GRCh38, 1-based): chr10:43,112,937, T>C. VCF-style: chr10-43112937-T-C. GRCh37 (hg19) VCF-style: chr10-43608385-T-C.
Other names: c.1733T>C, p.Ile578Thr (NM_000323.2, NM_001406743.1, NM_001406744.1 and 6 more transcripts); c.971T>C, p.Ile324Thr (NM_001355216.2); c.1604T>C, p.Ile535Thr (NM_001406761.1, NM_001406762.1, NM_001406764.1 and 1 more transcripts); c.1445T>C, p.Ile482Thr (NM_001406766.1, NM_001406767.1, NM_001406770.1); c.1337T>C, p.Ile446Thr (NM_001406769.1, NM_001406772.1); c.1295T>C, p.Ile432Thr (NM_001406771.1, NM_001406773.1); c.1208T>C, p.Ile403Thr (NM_001406774.1); c.1007T>C, p.Ile336Thr (NM_001406775.1, NM_001406776.1, NM_001406777.1 and 1 more transcripts); and 5 more; short protein forms I236T, I336T, I432T, I482T, I535T, I578T, I183T, I279T.
Identifiers: ClinVar variation 2190010 (VCV002190010.6), dbSNP rs1196065300, ClinGen allele CA376552107.

ClinVar aggregate classification (germline): Uncertain significance. Review status: criteria provided, multiple submitters, no conflicts (2 of 4 stars). 2 submissions from 2 submitters: Uncertain significance (2). Last evaluated 2026-01-04.

Conditions:
Hereditary cancer-predisposing syndrome. Also called: Hereditary Cancer Syndrome; Tumor predisposition; Hereditary neoplastic syndrome; Neoplastic Syndromes, Hereditary. Identifiers: Orphanet 140162, MedGen C0027672, MeSH D009386, MONDO:0015356.
Multiple endocrine neoplasia, type 2 (MEN2). Identifiers: Orphanet 653, MedGen C4048306, MONDO:0019003. Disease mechanism: gain of function.

Allele frequency attached by ClinVar (database versions not stated): TOPMed below 0.00001.

Submissions (2):

Labcorp Genetics (formerly Invitae), Labcorp
Classification: Uncertain significance for Multiple endocrine neoplasia, type 2. Last evaluated: 2026-01-04. Review status: criteria provided, single submitter. Criteria: Invitae Variant Classification Sherloc (09022015). Collection method: clinical testing. Allele origin: germline.
Comment: This sequence change replaces isoleucine, which is neutral and non-polar, with threonine, which is neutral and polar, at codon 578 of the RET protein (p.Ile578Thr). This variant is not present in population databases (gnomAD no frequency). This variant has not been reported in the literature in individuals affected with RET-related conditions. ClinVar contains an entry for this variant (Variation ID: 2190010). An algorithm developed to predict the effect of missense changes on protein structure and function (PolyPhen-2) suggests that this variant is likely to be tolerated. In summary, the available evidence is currently insufficient to determine the role of this variant in disease. Therefore, it has been classified as a Variant of Uncertain Significance.

Ambry Genetics
Classification: Uncertain significance for Hereditary cancer-predisposing syndrome. Last evaluated: 2023-07-20. Review status: criteria provided, single submitter. Criteria: Ambry Variant Classification Scheme 2023. Collection method: clinical testing. Allele origin: germline.
Comment: The p.I578T variant (also known as c.1733T>C), located in coding exon 9 of the RET gene, results from a T to C substitution at nucleotide position 1733. The isoleucine at codon 578 is replaced by threonine, an amino acid with similar properties. This amino acid position is poorly conserved in available vertebrate species. In addition, the in silico prediction for this alteration is inconclusive. Since supporting evidence is limited at this time, the clinical significance of this alteration remains unclear.